The following is an entry in ClinVar:

NM_000179.3(MSH6):c.383G>A (p.Arg128His)

Gene: MSH6 (mutS homolog 6; plus strand). Cytogenetic location: 2p16.3.
Variant type: single nucleotide variant.
Coding change: c.383G>A on transcript NM_000179.3 (MANE Select); coding-DNA position 383, G replaced by A.
Protein change: p.Arg128His; replaces arginine 128 with histidine.
Molecular consequence: missense variant. On other transcripts: 5 prime UTR variant (2), intron variant (1).
Genome position (GRCh38, 1-based): chr2:47,791,049, G>A. VCF-style: chr2-47791049-G-A. GRCh37 (hg19) VCF-style: chr2-48018188-G-A.
Other names: c.-354G>A (NM_001281493.2); c.-520G>A (NM_001281494.2); c.238-7562G>A (NM_001281492.2); short protein forms R128H.
Identifiers: ClinVar variation 233561 (VCV000233561.21), dbSNP rs63750143, ClinGen allele CA10578034.
Genomic context (GRCh38, chr2:47,791,049, plus strand): 5'-GTCTGGTTTACAACCACCCCTTTGATGGAACATTCATCCGCGAGAAAGGGAAATCAGTCC[G>A]TGTTCATGTACAGTTTTTTGATGACAGCCCAACAAGGGGCTGGGTTAGCAAAAGGCTTTT-3'
Protein context (NP_000170.1, residues 118-138): TFIREKGKSV[Arg128His]VHVQFFDDSP

ClinVar aggregate classification (germline): Uncertain significance. Review status: criteria provided, multiple submitters, no conflicts (2 of 4 stars). 4 submissions from 4 submitters: Uncertain significance (4). Last evaluated 2025-11-02.

Conditions:
Hereditary nonpolyposis colorectal neoplasms. Identifiers: MedGen C0009405, MeSH D003123.
Hereditary cancer-predisposing syndrome. Also called: Neoplastic Syndromes, Hereditary; Tumor predisposition; Hereditary Cancer Syndrome; Hereditary neoplastic syndrome. Identifiers: Orphanet 140162, MedGen C0027672, MeSH D009386, MONDO:0015356.

gnomAD v4.1: 1 of 1,614,226 alleles (0.000062%); highest among the groups gnomAD compares: Non-Finnish European, 0.000085%; no homozygotes.

Submissions (4):

Labcorp Genetics (formerly Invitae), Labcorp
Classification: Uncertain significance for Hereditary nonpolyposis colorectal neoplasms. Last evaluated: 2025-11-02. Review status: criteria provided, single submitter. Criteria: Invitae Variant Classification Sherloc (09022015). Collection method: clinical testing. Allele origin: germline.
Comment: This sequence change replaces arginine, which is basic and polar, with histidine, which is basic and polar, at codon 128 of the MSH6 protein (p.Arg128His). This variant is not present in population databases (gnomAD no frequency). This missense change has been observed in individual(s) with prostate cancer (PMID: 35534218). ClinVar contains an entry for this variant (Variation ID: 233561). Invitae Evidence Modeling of protein sequence and biophysical properties (such as structural, functional, and spatial information, amino acid conservation, physicochemical variation, residue mobility, and thermodynamic stability) indicates that this missense variant is not expected to disrupt MSH6 protein function with a negative predictive value of 95%. In summary, the available evidence is currently insufficient to determine the role of this variant in disease. Therefore, it has been classified as a Variant of Uncertain Significance.

Color Diagnostics, LLC DBA Color Health
Classification: Uncertain significance for Hereditary cancer-predisposing syndrome. Last evaluated: 2025-07-10. Review status: criteria provided, single submitter. Criteria: ACMG Guidelines, 2015. Collection method: clinical testing. Allele origin: germline.
Comment: This missense variant replaces arginine with histidine at codon 128 of the MSH6 protein. Computational prediction suggests that this variant may not impact protein structure and function. To our knowledge, functional studies have not been reported for this variant. This variant has not been reported in individuals affected with MSH6-related disorders in the literature. This variant has not been identified in the general population by the Genome Aggregation Database (gnomAD). The available evidence is insufficient to determine the role of this variant in disease conclusively. Therefore, this variant is classified as a Variant of Uncertain Significance.

Quest Diagnostics Nichols Institute San Juan Capistrano
Classification: Uncertain significance. Last evaluated: 2024-07-03. Review status: criteria provided, single submitter. Criteria: Quest Diagnostics criteria. Collection method: clinical testing. Allele origin: unknown.
Comment: The MSH6 c.383G>A (p.Arg128His) variant has not been reported as a germline variant in individuals with MSH6-related conditions in the published literature. It also has not been reported in large, multi-ethnic general populations (Genome Aggregation Database). Analysis of this variant using bioinformatics tools for the prediction of the effect of amino acid changes on protein structure and function yielded conflicting predictions that this variant is deleterious or benign. Based on the available information, we are unable to determine the clinical significance of this variant.

Ambry Genetics
Classification: Uncertain significance for Hereditary cancer-predisposing syndrome. Last evaluated: 2023-01-10. Review status: criteria provided, single submitter. Criteria: Ambry Variant Classification Scheme 2023. Collection method: clinical testing. Allele origin: germline.
Comment: The p.R128H variant (also known as c.383G>A), located in coding exon 2 of the MSH6 gene, results from a G to A substitution at nucleotide position 383. The arginine at codon 128 is replaced by histidine, an amino acid with highly similar properties. This amino acid position is highly conserved in available vertebrate species. In addition, the in silico prediction for this alteration is inconclusive. Since supporting evidence is limited at this time, the clinical significance of this alteration remains unclear.

Literature cited by the submitters: PubMed 35534218 (cited by Labcorp Genetics (formerly Invitae), Labcorp and Quest Diagnostics Nichols Institute San Juan Capistrano); PubMed 27547838 (cited by Quest Diagnostics Nichols Institute San Juan Capistrano); PubMed 27294619 (cited by Quest Diagnostics Nichols Institute San Juan Capistrano).